The following is an entry in ClinVar:

ClinVar aggregate classification (germline): Uncertain significance (1 of 4 stars; one submission).

Conditions:
Developmental and epileptic encephalopathy, 1 (DEE1). Also called: OHTAHARA SYNDROME, X-LINKED; INFANTILE SPASM SYNDROME, X-LINKED 1; X-linked infantile spasms; West's syndrome; Tonic spasms with clustering, arrest of psychomotor development and hypsarrhythmia on EEG; X-Linked Infantile Spasm Syndrome. Identifiers: MedGen C3463992, MONDO:0010632, OMIM 308350. Disease mechanism: loss of function.
Intellectual disability, X-linked, with or without seizures, ARX-related. Also called: MENTAL RETARDATION, X-LINKED 29; MENTAL RETARDATION, X-LINKED 32; MENTAL RETARDATION, X-LINKED 33; MENTAL RETARDATION, X-LINKED 38; MENTAL RETARDATION, X-LINKED 43; MENTAL RETARDATION, X-LINKED 76. Identifiers: Orphanet 777, MedGen C0796244, MONDO:0010317, OMIM 300419.

Submission:

Labcorp Genetics (formerly Invitae), Labcorp
Classification: Uncertain significance for Developmental and epileptic encephalopathy, 1; Intellectual disability, X-linked, with or without seizures, ARX-related. Last evaluated: 2019-08-07. Review status: criteria provided, single submitter. Criteria: Invitae Variant Classification Sherloc (09022015). Collection method: clinical testing. Allele origin: germline.
Comment: In summary, the available evidence is currently insufficient to determine the role of this variant in disease. Therefore, it has been classified as a Variant of Uncertain Significance. This variant has not been reported in the literature in individuals with ARX-related conditions. The frequency data for this variant in the population databases is considered unreliable, as metrics indicate insufficient coverage at this position in the ExAC database. This sequence change replaces lysine with glutamine at codon 84 of the ARX protein (p.Lys84Gln). The lysine residue is highly conserved and there is a small physicochemical difference between lysine and glutamine.

NM_139058.3(ARX):c.250A>C (p.Lys84Gln)

Gene: ARX (aristaless related homeobox; minus strand). Cytogenetic location: Xp21.3.
Variant type: single nucleotide variant.
Coding change: c.250A>C on transcript NM_139058.3 (MANE Select); coding-DNA position 250, A replaced by C.
Protein change: p.Lys84Gln; replaces lysine 84 with glutamine.
Molecular consequence: missense variant.
Genome position (GRCh38, 1-based): chrX:25,013,745, T>G on the plus strand (A>C on the coding strand, the complement: ARX is on the minus strand). VCF-style: chrX-25013745-T-G. GRCh37 (hg19) VCF-style: chrX-25031862-T-G.
Other names: short protein forms K84Q.
Identifiers: ClinVar variation 962557 (VCV000962557.10), dbSNP rs2048713939, ClinGen allele CA412613562.
Genomic context (GRCh38, chrX:25,013,745, plus strand): 5'-CCGCCGCTGCCGCACCCTGAAGGAGGCGGCCCCCGCCCGGGCCGTACAGGCGCCGCAGCT[T>G]GGGCGGCAGGTGCAGCTCGGCCTCGAACGGGGCGCTGCTGCTCTTAGGGGAGCCTGCGGG-3'
Protein context (NP_620689.1, residues 74-94): PFEAELHLPP[Lys84Gln]LRRLYGPGGG